The following is an entry in ClinVar:

ClinVar aggregate classification (germline): Pathogenic/Likely pathogenic. Review status: criteria provided, multiple submitters, no conflicts (2 of 4 stars). 16 submissions from 16 submitters: Pathogenic (10); Likely pathogenic (2). 4 of the submissions do not count toward it. Last evaluated 2025-11-28.

Conditions:
ACTA2-related disorder. Also called: ACTA2-related condition; ACTA2-related disorders.
Thoracic aortic aneurysm or dissection.
Moyamoya disease 5 (MYMY5). Identifiers: Orphanet 2573, MedGen C3279690, MONDO:0013542, OMIM 614042.
Multisystemic smooth muscle dysfunction syndrome (SMDYS). Also called: SMOOTH MUSCLE DYSFUNCTION SYNDROME; MYDRIASIS, CONGENITAL, WITH PATENT DUCTUS ARTERIOSUS, THORACIC AORTIC ANEURYSM, AND VASCULOPATHY. Identifiers: Orphanet 404463, MedGen C3151201, MONDO:0013452, OMIM 613834.
Aortic aneurysm, familial thoracic 6 (AAT6). Also called: FAMILIAL THORACIC AORTIC ANEURYSM WITH LIVEDO RETICULARIS AND IRIS FLOCCULI. Identifiers: MedGen C2673186, MONDO:0012730, OMIM 611788.
Familial thoracic aortic aneurysm and aortic dissection (TAAD). Also called: Thoracic aortic aneurysms and dissections. Identifiers: Orphanet 91387, MedGen C4707243, MONDO:0019625.
Familial aortopathy. Identifiers: MedGen CN078214.

Allele frequency attached by ClinVar (database versions not stated): gnomAD 0.00001.

Submissions 1 to 11 of 16:

North West Genomic Laboratory Hub, Manchester University NHS Foundation Trust
Classification: Pathogenic for Thoracic aortic aneurysm or dissection. Last evaluated: 2025-11-28. Review status: criteria provided, single submitter. Criteria: ACGS Best Practice Guidelines for Variant Classification in Rare Disease 2024. Collection method: clinical testing. Allele origin: germline. Affected: yes.
Comment: PP2_Supp PP1_Str PS4_Mod PP3_Supp PM2_Mod

Labcorp Genetics (formerly Invitae), Labcorp
Classification: Pathogenic for Aortic aneurysm, familial thoracic 6. Last evaluated: 2025-08-06. Review status: criteria provided, single submitter. Criteria: Invitae Variant Classification Sherloc (09022015). Collection method: clinical testing. Allele origin: germline.
Comment: This sequence change replaces arginine, which is basic and polar, with cysteine, which is neutral and slightly polar, at codon 39 of the ACTA2 protein (p.Arg39Cys). This variant is present in population databases (rs112901682, gnomAD 0.03%). This missense change has been observed in individuals with aortopathy (PMID: 21248741, 21733706, 21937134, 24243736, 25644172, 25759435). It has also been observed to segregate with disease in related individuals. ClinVar contains an entry for this variant (Variation ID: 65449). Invitae Evidence Modeling of protein sequence and biophysical properties (such as structural, functional, and spatial information, amino acid conservation, physicochemical variation, residue mobility, and thermodynamic stability) indicates that this missense variant is not expected to disrupt ACTA2 protein function with a negative predictive value of 80%. For these reasons, this variant has been classified as Pathogenic.

GeneDx
Classification: Pathogenic. Last evaluated: 2025-07-15. Review status: criteria provided, single submitter. Criteria: GeneDx Variant Classification Process June 2021. Collection method: clinical testing. Allele origin: germline. Affected: yes.
Comment: Not observed at significant frequency in large population cohorts (gnomAD); In silico analysis supports that this missense variant has a deleterious effect on protein structure/function; This variant is associated with the following publications: (PMID: 21733706, 25644172, 25759435, 24243736, 21248741, 21937134, 30030203, 29907982, 31536524, 35567597, 37937776, 34498425, 36053285)

Centre of Medical Genetics, University of Antwerp
Classification: Likely pathogenic for Familial thoracic aortic aneurysm and aortic dissection. Last evaluated: 2024-09-06. Review status: criteria provided, single submitter. Criteria: ACMG Guidelines, 2015. Collection method: clinical testing. Allele origin: germline. Affected: yes.
Comment: LP(PS4; PM2, 5; PP2-3)

Women's Health and Genetics/Laboratory Corporation of America, LabCorp
Classification: Pathogenic for Familial aortopathy. Last evaluated: 2024-06-04. Review status: criteria provided, single submitter. Criteria: LabCorp Variant Classification Summary - May 2015. Collection method: clinical testing. Allele origin: germline.
Comment: Variant summary: ACTA2 c.115C>T (p.Arg39Cys) results in a non-conservative amino acid change in the encoded protein sequence. Four of five in-silico tools predict a damaging effect of the variant on protein function. The variant was absent in 251086 control chromosomes. c.115C>T has been reported in the literature in multiple individuals affected with Aortopathy and related conditions (Hoffjan_2011, Ragalado_2014, Renard_2013) and observed to segregate with diseae. Additionally, other missense variants affecting the same codon (e.g. R39H, R39G and R39S) have been classified on the pathogenic spectrum in ClinVar. These data indicate that the variant is very likely to be associated with disease. To our knowledge, no experimental evidence demonstrating an impact on protein function has been reported. The following publications have been ascertained in the context of this evaluation (PMID: 21248741, 24243736, 21937134). ClinVar contains an entry for this variant (Variation ID: 65449). Based on the evidence outlined above, the variant was classified as pathogenic.

CeGaT Center for Human Genetics Tuebingen
Classification: Pathogenic. Last evaluated: 2024-06-01. Review status: criteria provided, single submitter. Criteria: CeGaT Center For Human Genetics Tuebingen Variant Classification Criteria Version 2. Collection method: clinical testing. Allele origin: germline. Affected: yes. Observed: 1 variant allele.
Comment: ACTA2: PM1, PM2, PM5, PS4:Moderate, PP1, PP3

Ambry Genetics
Classification: Pathogenic for Familial thoracic aortic aneurysm and aortic dissection. Last evaluated: 2024-01-29. Review status: criteria provided, single submitter. Criteria: Ambry Variant Classification Scheme 2023. Collection method: clinical testing. Allele origin: germline.
Comment: The p.R39C variant (also known as c.115C>T), located in coding exon 1 of the ACTA2 gene, results from a C to T substitution at nucleotide position 115. The arginine at codon 39 is replaced by cysteine, an amino acid with highly dissimilar properties. This variant has been reported in individuals with thoracic aortic aneurysm and dissection (TAAD), and co-segregation in affected relatives was reported in two unrelated families (Hoffjan S et al. Eur. J. Hum. Genet., 2011 May;19:520-4; Renard M et al. Int. J. Cardiol., 2013 May;165:314-21; Regalado ES et al. Am. J. Med. Genet. A, 2014 Jan;164A:106-12; Overwater E et al. Hum. Mutat., 2018 09;39:1173-1192). Alternate amino acid substitutions at this position, p.R39H and p.R39G, have also been associated with TAAD and vascular disease findings (Guo DC et al. Am J Hum Genet. 2009;84(5):617-27; Regalado ES et al. Circ Cardiovasc Genet. 2015;8(3):457-64). This variant was not reported in population-based cohorts in the Genome Aggregation Database (gnomAD) (Lek M et al. Nature, 2016 08;536:285-91). This amino acid position is highly conserved in available vertebrate species. In addition, this alteration is predicted to be deleterious by in silico analysis. Based on the supporting evidence, this alteration is interpreted as a disease-causing mutation.

Blueprint Genetics
Classification: Pathogenic for ACTA2-related disorders. Last evaluated: 2023-09-04. Review status: criteria provided, single submitter. Criteria: ACMG Guidelines, 2015. Collection method: clinical testing. Allele origin: germline. Affected: yes. Observed: 2 variant alleles.

ARUP Laboratories, Molecular Genetics and Genomics, ARUP Laboratories
Classification: Pathogenic. Last evaluated: 2023-02-15. Review status: criteria provided, single submitter. Criteria: ARUP Molecular Germline Variant Investigation Process 2024. Collection method: clinical testing. Allele origin: germline.
Comment: The ACTA2 c.115C>T; p.Arg39Cys variant (rs112901682) is reported in multiple individuals with thoracic aortic disorders and shown to segregate with disease in affected family members (Campens 2015, Hoffjan 2011, Kaw 2022, Li 2021, Overwater 2018). This variant is also reported in ClinVar (Variation ID: 65449). This variant is only found on one allele in the Genome Aggregation Database, indicating it is not a common polymorphism. Computational analyses predict that this variant is deleterious (REVEL: 0.853). Additionally, other variants at this codon (p.Arg39Gly, p.Arg39His) are reported in individuals with aortic aneurysm and dissection and are considered to be causative (Hoffjan 2011, Overwater 2018, Regalado 2015). Based on available information, the p.Arg39Cys variant is considered to be pathogenic. References: Campens L et al. Gene panel sequencing in heritable thoracic aortic disorders and related entities - results of comprehensive testing in a cohort of 264 patients. Orphanet J Rare Dis. 2015 Feb 3;10:9. PMID: 25644172. Hoffjan S et al. Three novel mutations in the ACTA2 gene in German patients with thoracic aortic aneurysms and dissections. Eur J Hum Genet. 2011 May;19(5):520-4. PMID: 21248741. Kaw A et al. Expanding ACTA2 genotypes with corresponding phenotypes overlapping with smooth muscle dysfunction syndrome. Am J Med Genet A. 2022 Aug;188(8):2389-2396. PMID: 35567597. Li J et al. Genetic testing and clinical relevance of patients with thoracic aortic aneurysm and dissection in northwestern China. Mol Genet Genomic Med. 2021 Oct;9(10):e1800. PMID: 34498425. Overwater E et al. Results of next-generation sequencing gene panel diagnostics including copy-number variation analysis in 810 patients suspected of heritable thoracic aortic disorders. Hum Mutat. 2018 Sep;39(9):1173-1192. PMID: 29907982. Regalado ES et al. Aortic Disease Presentation and Outcome Associated With ACTA2 Mutations. Circ Cardiovasc Genet. 2015 Jun;8(3):457-64. PMID: 25759435.

Centre of Medical Genetics, University Hospital Muenster
Classification: Pathogenic. Last evaluated: 2022-07-18. Review status: criteria provided, single submitter. Criteria: ACMG Guidelines, 2015. Collection method: clinical testing. Allele origin: unknown. Affected: yes. Observed: 1 variant allele, 1 heterozygote.
Comment: ACMG categories: PS4,PM1,PM2,PP1,PP3,PP5,BP1

CHEO Genetics Diagnostic Laboratory, Children's Hospital of Eastern Ontario
Classification: Likely pathogenic for Familial thoracic aortic aneurysm and aortic dissection. Last evaluated: 2019-07-18. Review status: criteria provided, single submitter. Criteria: ACMG Guidelines, 2015. Collection method: clinical testing. Allele origin: germline. Study: Canadian Open Genetics Repository.

NM_001613.4(ACTA2):c.115C>T (p.Arg39Cys)

Gene: ACTA2 (actin alpha 2, smooth muscle; minus strand). Cytogenetic location: 10q23.31.
Variant type: single nucleotide variant.
Coding change: c.115C>T on transcript NM_001613.4 (MANE Select); coding-DNA position 115, C replaced by T.
Protein change: p.Arg39Cys; replaces arginine 39 with cysteine.
Molecular consequence: missense variant.
Genome position (GRCh38, 1-based): chr10:88,948,816, G>A on the plus strand (C>T on the coding strand, the complement: ACTA2 is on the minus strand). VCF-style: chr10-88948816-G-A. GRCh37 (hg19) VCF-style: chr10-90708573-G-A.
Other names: c.115C>T, p.Arg39Cys (NM_001141945.3, NM_001320855.2, NM_001406462.1 and 7 more transcripts); short protein forms R39C.
Identifiers: ClinVar variation 65449 (VCV000065449.51), dbSNP rs112901682, ClinGen allele CA006817.